The following is an entry in ClinVar:

NM_001378778.1(MPDZ):c.2566C>G (p.Gln856Glu)

Gene: MPDZ (multiple PDZ domain crumbs cell polarity complex component; minus strand). Cytogenetic location: 9p23.
Variant type: single nucleotide variant.
Coding change: c.2566C>G on transcript NM_001378778.1 (MANE Select); coding-DNA position 2566, C replaced by G.
Protein change: p.Gln856Glu; replaces glutamine 856 with glutamic acid.
Molecular consequence: missense variant.
Genome position (GRCh38, 1-based): chr9:13,183,501, G>C on the plus strand (C>G on the coding strand, the complement: MPDZ is on the minus strand). VCF-style: chr9-13183501-G-C. GRCh37 (hg19) VCF-style: chr9-13183500-G-C.
Other names: c.2566C>G, p.Gln856Glu (NM_001261406.2, NM_001261407.2, NM_001330637.2 and 14 more transcripts); short protein forms Q856E.
Identifiers: ClinVar variation 3618142 (VCV003618142.2).

ClinVar aggregate classification (germline): Uncertain significance (1 of 4 stars; one submission).

gnomAD v4.1: 1 of 1,612,404 alleles (0.000062%); highest among the groups gnomAD compares: Non-Finnish European, 0.000085%; no homozygotes.

Submission:

Labcorp Genetics (formerly Invitae), Labcorp
Classification: Uncertain significance. Last evaluated: 2024-12-09. Review status: criteria provided, single submitter. Criteria: Invitae Variant Classification Sherloc (09022015). Collection method: clinical testing. Allele origin: germline.
Comment: This sequence change replaces glutamine, which is neutral and polar, with glutamic acid, which is acidic and polar, at codon 856 of the MPDZ protein (p.Gln856Glu). This variant is not present in population databases (gnomAD no frequency). This variant has not been reported in the literature in individuals affected with MPDZ-related conditions. An algorithm developed to predict the effect of missense changes on protein structure and function (PolyPhen-2) suggests that this variant is likely to be tolerated. In summary, the available evidence is currently insufficient to determine the role of this variant in disease. Therefore, it has been classified as a Variant of Uncertain Significance.